The following is an entry in ClinVar:

ClinVar aggregate classification (germline): Uncertain significance (1 of 4 stars; one submission).

Conditions:
Neuromuscular disease. Also called: Neuromyopathy; Neuromuscular disorder. Identifiers: Orphanet 68381, MedGen C0027868, MeSH D009468, MONDO:0019056.

Submission:

Broad Center for Mendelian Genomics, Broad Institute of MIT and Harvard
Classification: Uncertain significance for Neuromuscular disease. Last evaluated: 2024-06-19. Review status: criteria provided, single submitter. Criteria: ACMG Guidelines, 2015. Collection method: curation. Allele origin: germline. Inheritance: Autosomal dominant inheritance. Study: GREGoR Consortium.
Comment: The heterozygous p.Trp1988Ter variant in SPTAN1 was identified by our study in two family members with distal myopathy. The p.Trp1988Ter variant in SPTAN1 has not been previously reported in the literature in individuals with distal myopathy and was absent from large population studies. This nonsense variant leads to a premature termination codon at position 1988, which is predicted to lead to a truncated or absent protein. While there is some evidence to suggest that heterozygous loss of function of the SPTAN1 gene is a disease mechanism in distal hereditary motor neuropathy, this association is not yet strongly established based on the criteria laid out in Tayoun, 2018 (PMID: 30192042). In summary, the clinical significance of the p.Trp1988Ter variant is uncertain. ACMG/AMP Criteria applied: PVS1_moderate, PM2_supporting (Richards 2015).

NM_001130438.3(SPTAN1):c.5963G>A (p.Trp1988Ter)

Gene: SPTAN1 (spectrin alpha, non-erythrocytic 1; plus strand). Cytogenetic location: 9q34.11.
Variant type: single nucleotide variant.
Coding change: c.5963G>A on transcript NM_001130438.3 (MANE Select); coding-DNA position 5963, G replaced by A.
Protein change: p.Trp1988Ter; replaces tryptophan 1988 with a stop codon.
Molecular consequence: nonsense.
Genome position (GRCh38, 1-based): chr9:128,624,458, G>A. VCF-style: chr9-128624458-G-A. GRCh37 (hg19) VCF-style: chr9-131386737-G-A.
Other names: NM_003127.4:c.5948G>A; c.5888G>A, p.Trp1963Ter (NM_001195532.2); c.5963G>A, p.Trp1988Ter (NM_001363759.2, NM_001375310.1, NM_001375311.2 and 1 more transcripts); c.5903G>A, p.Trp1968Ter (NM_001363765.2, NM_001375314.2); c.5999G>A, p.Trp2000Ter (NM_001375312.2, NM_001375318.1); c.5948G>A, p.Trp1983Ter (NM_003127.4); short protein forms W1963*, W1968*, W1983*, W1988*, W2000*.
Identifiers: ClinVar variation 3252055 (VCV003252055.1), dbSNP rs2542145452.